The following is an entry in ClinVar:

NM_176787.5(PIGN):c.1147T>G (p.Leu383Val)

Gene: PIGN (phosphatidylinositol glycan anchor biosynthesis class N; minus strand). Cytogenetic location: 18q21.33.
Variant type: single nucleotide variant.
Coding change: c.1147T>G on transcript NM_176787.5 (MANE Select); coding-DNA position 1147, T replaced by G.
Protein change: p.Leu383Val; replaces leucine 383 with valine.
Molecular consequence: missense variant.
Genome position (GRCh38, 1-based): chr18:62,138,268, A>C on the plus strand (T>G on the coding strand, the complement: PIGN is on the minus strand). VCF-style: chr18-62138268-A-C. GRCh37 (hg19) VCF-style: chr18-59805501-A-C.
Other names: c.1147T>G, p.Leu383Val (NM_012327.6); short protein forms L383V.
Identifiers: ClinVar variation 1699341 (VCV001699341.3), dbSNP rs2147134178, ClinGen allele CA402607606.

ClinVar aggregate classification (germline): Uncertain significance (1 of 4 stars; one submission).

Conditions:
Multiple congenital anomalies-hypotonia-seizures syndrome 1 (MCAHS1). Also called: PIGN-CDG; Congenital disorder of glycosylation due to PIGN deficiency; GLYCOSYLPHOSPHATIDYLINOSITOL BIOSYNTHESIS DEFECT 3. Identifiers: Orphanet 280633, MedGen C3279775, MONDO:0013563, OMIM 614080.

Allele frequency attached by ClinVar (database versions not stated): gnomAD exomes below 0.00001.
gnomAD v4.1: 1 of 1,547,674 alleles (0.000065%); highest among the groups gnomAD compares: Non-Finnish European, 0.000087%; no homozygotes.

Submission:

Victorian Clinical Genetics Services, Murdoch Childrens Research Institute
Classification: Uncertain significance for Multiple congenital anomalies-hypotonia-seizures syndrome 1. Last evaluated: 2022-02-02. Review status: criteria provided, single submitter. Criteria: ACMG Guidelines, 2015. Collection method: clinical testing. Allele origin: germline. Inheritance: Autosomal recessive inheritance. Affected: yes.
Comment: Based on the classification scheme VCGS_Germline_v1.3.4, this variant is classified as VUS-3B. Following criteria are met: 0102 - Loss of function is a known mechanism of disease in this gene and is associated with multiple congenital anomalies-hypotonia-seizures syndrome 1 (MIM#614080). (I) 0106 - This gene is associated with autosomal recessive disease. (I) 0200 - Variant is predicted to result in a missense amino acid change from leucine to valine. (I) 0251 - This variant is heterozygous. (I) 0301 - Variant is absent from gnomAD (both v2 and v3). (SP) 0502 - Missense variant with conflicting in silico predictions and uninformative conservation. (I) 0604 - Variant is not located in an established domain, motif, hotspot or informative constraint region. (I) 0705 - No comparable missense variants have previous evidence for pathogenicity. (I) 0807 - This variant has no previous evidence of pathogenicity. (I) 0905 - No published segregation evidence has been identified for this variant. (I) 1007 - No published functional evidence has been identified for this variant. (I) 1208 - Inheritance information for this variant is not currently available in this individual. (I) Legend: (SP) - Supporting pathogenic, (I) - Information, (SB) - Supporting benign